The following is an entry in ClinVar:

ClinVar aggregate classification (germline): Uncertain significance (1 of 4 stars; one submission).

Conditions:
Inborn genetic diseases. Identifiers: MedGen C0950123, MeSH D030342.

gnomAD v4.1: 2 of 1,609,380 alleles (0.00012%); highest among the groups gnomAD compares: Non-Finnish European, 0.00017%; no homozygotes.

Submission:

Ambry Genetics
Classification: Uncertain significance for Inborn genetic diseases. Last evaluated: 2024-12-20. Review status: criteria provided, single submitter. Criteria: Ambry Variant Classification Scheme 2023. Collection method: clinical testing. Allele origin: germline.
Comment: The p.A637T variant (also known as c.1909G>A), located in coding exon 13 of the ASXL1 gene, results from a G to A substitution at nucleotide position 1909. The alanine at codon 637 is replaced by threonine, an amino acid with similar properties. This amino acid position is conserved. In addition, this alteration is predicted to be tolerated by in silico analysis. Based on the available evidence, the clinical significance of this variant remains unclear.

NM_015338.6(ASXL1):c.1909G>A (p.Ala637Thr)

Gene: ASXL1 (ASXL transcriptional regulator 1; plus strand). Cytogenetic location: 20q11.21.
Variant type: single nucleotide variant.
Coding change: c.1909G>A on transcript NM_015338.6 (MANE Select); coding-DNA position 1909, G replaced by A.
Protein change: p.Ala637Thr; replaces alanine 637 with threonine.
Molecular consequence: missense variant.
Genome position (GRCh38, 1-based): chr20:32,434,621, G>A. VCF-style: chr20-32434621-G-A. GRCh37 (hg19) VCF-style: chr20-31022424-G-A.
Other names: c.1726G>A, p.Ala576Thr (NM_001363734.1); short protein forms A637T, A576T.
Identifiers: ClinVar variation 3791499 (VCV003791499.1).